The following is an entry in ClinVar:

ClinVar aggregate classification (germline): Uncertain significance. Review status: criteria provided, multiple submitters, no conflicts (2 of 4 stars). 4 submissions from 4 submitters: Uncertain significance (4). Last evaluated 2025-07-11.

Conditions:
Polycystic liver disease 4 with or without kidney cysts. Identifiers: MedGen C4693479, MONDO:0044327, OMIM 617875.
Exudative vitreoretinopathy 1 (EVR1). Also called: FEVR, AUTOSOMAL DOMINANT; Familial exudative vitreoretinopathy, autosomal dominant; CRISWICK-SCHEPENS SYNDROME. Identifiers: Orphanet 891, Orphanet 90050, MedGen C1851402, MONDO:0007589, OMIM 133780.
Exudative vitreoretinopathy 4 (EVR4). Identifiers: Orphanet 891, MedGen C1866176, MONDO:0011151, OMIM 601813.
Osteoporosis with pseudoglioma (OPPG). Also called: osteoporosis-pseudoglioma syndrome. Identifiers: Orphanet 2788, MedGen C0432252, MONDO:0009820, OMIM 259770.
Worth disease. Also called: Autosomal dominant osteosclerosis, Worth type; OSTEOSCLEROSIS, AUTOSOMAL DOMINANT; ENDOSTEAL HYPEROSTOSIS, AUTOSOMAL DOMINANT. Identifiers: Orphanet 2790, MedGen C0432273, MONDO:0007764, OMIM 144750.
Bone mineral density quantitative trait locus 1 (BMND1). Identifiers: MedGen C1866079, OMIM 601884.
Osteoporosis. Identifiers: MedGen C0029456, MONDO:0005298, OMIM 166710, HP:0000939.
Autosomal dominant osteopetrosis 1 (OPTA1). Also called: OSTEOPETROSIS, AUTOSOMAL DOMINANT, TYPE I. Identifiers: Orphanet 2783, MedGen C1843330, MONDO:0011877, OMIM 607634.
LRP5-related disorder. Also called: LRP5-related condition.

Allele frequency attached by ClinVar (database versions not stated): gnomAD exomes below 0.00001; TOPMed 0.00001.
gnomAD v4.1: 7 of 1,614,156 alleles (0.00043%); highest among the groups gnomAD compares: Middle Eastern, 0.016%; no homozygotes.

Submissions (4):

PreventionGenetics, part of Exact Sciences
Classification: Uncertain significance for LRP5-related condition. Last evaluated: 2025-07-11. Review status: criteria provided, single submitter. Criteria: ACMG Guidelines, 2015. Collection method: clinical testing. Allele origin: germline.
Comment: The LRP5 c.4135G>A variant is predicted to result in the amino acid substitution p.Asp1379Asn. This variant has been reported along with a second LRP5 variant in an individual with exudative vitreoretinopathy (Table S2, Chen et al. 2022. PubMed ID: 36018796). This variant is present in 0.0029% of alleles in individuals of Latino descent in gnomAD. At this time, the clinical significance of this variant is uncertain due to the absence of conclusive functional and genetic evidence.

Labcorp Genetics (formerly Invitae), Labcorp
Classification: Uncertain significance. Last evaluated: 2022-11-23. Review status: criteria provided, single submitter. Criteria: Invitae Variant Classification Sherloc (09022015). Collection method: clinical testing. Allele origin: germline.
Comment: This variant has not been reported in the literature in individuals affected with LRP5-related conditions. This variant is not present in population databases (gnomAD no frequency). This sequence change replaces aspartic acid, which is acidic and polar, with asparagine, which is neutral and polar, at codon 1379 of the LRP5 protein (p.Asp1379Asn). ClinVar contains an entry for this variant (Variation ID: 1498727). In summary, the available evidence is currently insufficient to determine the role of this variant in disease. Therefore, it has been classified as a Variant of Uncertain Significance. Advanced modeling of protein sequence and biophysical properties (such as structural, functional, and spatial information, amino acid conservation, physicochemical variation, residue mobility, and thermodynamic stability) performed at Invitae indicates that this missense variant is not expected to disrupt LRP5 protein function.

Fulgent Genetics
Classification: Uncertain significance for Exudative vitreoretinopathy 1; Worth disease; Osteoporosis; Osteoporosis with pseudoglioma; Exudative vitreoretinopathy 4; Bone mineral density quantitative trait locus 1; Autosomal dominant osteopetrosis 1; Polycystic liver disease 4 with or without kidney cysts. Last evaluated: 2021-10-14. Review status: criteria provided, single submitter. Criteria: ACMG Guidelines, 2015. Collection method: clinical testing. Allele origin: unknown.

Blueprint Genetics
Classification: Uncertain significance. Last evaluated: 2018-12-19. Review status: criteria provided, single submitter. Criteria: ACMG Guidelines, 2015. Collection method: clinical testing. Allele origin: germline.

NM_002335.4(LRP5):c.4135G>A (p.Asp1379Asn)

Gene: LRP5 (LDL receptor related protein 5; plus strand). Cytogenetic location: 11q13.2.
Variant type: single nucleotide variant.
Coding change: c.4135G>A on transcript NM_002335.4 (MANE Select); coding-DNA position 4135, G replaced by A.
Protein change: p.Asp1379Asn; replaces aspartic acid 1379 with asparagine.
Molecular consequence: missense variant.
Genome position (GRCh38, 1-based): chr11:68,438,469, G>A. VCF-style: chr11-68438469-G-A. GRCh37 (hg19) VCF-style: chr11-68205937-G-A.
Other names: c.2392G>A, p.Asp798Asn (NM_001291902.2); c.4135G>A (NM_002335.3); short protein forms D1379N, D798N.
Identifiers: ClinVar variation 1498727 (VCV001498727.9), dbSNP rs1008752977, ClinGen allele CA224254554.
Genomic context (GRCh38, chr11:68,438,469, plus strand): 5'-TTAATGTTGGCCACCTCTTTCTGTTTGTCTCTGGCAGAAATCACCAAGCCGCCCTCAGAC[G>A]ACAGCCCGGCCCACAGCAGTGCCATCGGGCCCGTCATTGGCATCATCCTCTCTCTCTTCG-3'
Protein context (NP_002326.2, residues 1369-1389): MCEITKPPSD[Asp1379Asn]SPAHSSAIGP